The following is an entry in ClinVar:

NM_001853.4(COL9A3):c.1064G>A (p.Gly355Glu)

Gene: COL9A3 (collagen type IX alpha 3 chain; plus strand). Cytogenetic location: 20q13.33.
Variant type: single nucleotide variant.
Coding change: c.1064G>A on transcript NM_001853.4 (MANE Select); coding-DNA position 1064, G replaced by A.
Protein change: p.Gly355Glu; replaces glycine 355 with glutamic acid.
Molecular consequence: missense variant.
Genome position (GRCh38, 1-based): chr20:62,829,638, G>A. VCF-style: chr20-62829638-G-A. GRCh37 (hg19) VCF-style: chr20-61460990-G-A.
Other names: short protein forms G355E.
Identifiers: ClinVar variation 2130143 (VCV002130143.4), dbSNP rs2516058503, ClinGen allele CA409593493.

ClinVar aggregate classification (germline): Uncertain significance (1 of 4 stars; one submission).

Submission:

Labcorp Genetics (formerly Invitae), Labcorp
Classification: Uncertain significance. Last evaluated: 2022-05-03. Review status: criteria provided, single submitter. Criteria: Invitae Variant Classification Sherloc (09022015). Collection method: clinical testing. Allele origin: germline.
Comment: In summary, the available evidence is currently insufficient to determine the role of this variant in disease. Therefore, it has been classified as a Variant of Uncertain Significance. Advanced modeling of protein sequence and biophysical properties (such as structural, functional, and spatial information, amino acid conservation, physicochemical variation, residue mobility, and thermodynamic stability) performed at Invitae indicates that this missense variant is expected to disrupt COL9A3 protein function. This variant has not been reported in the literature in individuals affected with COL9A3-related conditions. This variant is not present in population databases (gnomAD no frequency). This sequence change replaces glycine, which is neutral and non-polar, with glutamic acid, which is acidic and polar, at codon 355 of the COL9A3 protein (p.Gly355Glu).